The following is an entry in ClinVar:

ClinVar aggregate classification (germline): Uncertain significance (1 of 4 stars; one submission).

Submission:

GeneDx
Classification: Uncertain significance. Last evaluated: 2023-06-23. Review status: criteria provided, single submitter. Criteria: GeneDx Variant Classification Process June 2021. Collection method: clinical testing. Allele origin: germline. Affected: yes.
Comment: Not observed at significant frequency in large population cohorts (gnomAD); In silico analysis supports that this missense variant has a deleterious effect on protein structure/function; Has not been previously published as pathogenic or benign to our knowledge

NM_002025.4(AFF2):c.2504C>G (p.Pro835Arg)

Gene: AFF2 (ALF transcription elongation factor 2; plus strand). Cytogenetic location: Xq28.
Variant type: single nucleotide variant.
Coding change: c.2504C>G on transcript NM_002025.4 (MANE Select); coding-DNA position 2504, C replaced by G.
Protein change: p.Pro835Arg; replaces proline 835 with arginine.
Molecular consequence: missense variant.
Genome position (GRCh38, 1-based): chrX:148,956,549, C>G. VCF-style: chrX-148956549-C-G. GRCh37 (hg19) VCF-style: chrX-148038079-C-G.
Other names: c.2405C>G, p.Pro802Arg (NM_001169122.2); c.2474C>G, p.Pro825Arg (NM_001169123.2); c.2399C>G, p.Pro800Arg (NM_001169124.2); c.2387C>G, p.Pro796Arg (NM_001169125.2); c.1427C>G, p.Pro476Arg (NM_001170628.1); short protein forms P476R, P796R, P800R, P802R, P825R, P835R.
Identifiers: ClinVar variation 3360393 (VCV003360393.1).